The following is an entry in ClinVar:

ClinVar aggregate classification (germline): Likely pathogenic. Review status: criteria provided, multiple submitters, no conflicts (2 of 4 stars). 2 submissions from 2 submitters: Likely pathogenic (2). Last evaluated 2026-03-19.

Conditions:
Primary ciliary dyskinesia 12. Also called: CILIARY DYSKINESIA, PRIMARY, 12, WITHOUT SITUS INVERSUS. Identifiers: Orphanet 244, MedGen C2675228, MONDO:0012979, OMIM 612650.
RSPH9-related disorder. Also called: RSPH9-related condition.

gnomAD v4.1: 1 of 1,614,140 alleles (0.000062%); highest among the groups gnomAD compares: East Asian, 0.0022%; no homozygotes.

Submissions (2):

PreventionGenetics, part of Exact Sciences
Classification: Likely pathogenic for RSPH9-related condition. Last evaluated: 2026-03-19. Review status: criteria provided, single submitter. Criteria: ACMG Guidelines, 2015. Collection method: clinical testing. Allele origin: germline.
Comment: The RSPH9 c.574G>T variant is predicted to result in premature protein termination (p.Glu192*). To our knowledge, this variant has not been reported in the literature. This variant is reported in 0.0054% of alleles in individuals of East Asian descent in gnomAD. Nonsense variants in RSPH9 are expected to be pathogenic. This variant is interpreted as likely pathogenic.

Juno Genomics, Hangzhou Juno Genomics, Inc
Classification: Likely pathogenic for Primary ciliary dyskinesia 12. Review status: criteria provided, single submitter. Criteria: ACMG Guidelines, 2015. Collection method: clinical testing. Allele origin: germline.
Comment: Absent from controls (or at extremely low frequency if recessive) in Genome Aggregation Database.;Null variant in a gene where loss of function (LOF) is a known mechanism of disease.

NM_152732.5(RSPH9):c.574G>T (p.Glu192Ter)

Gene: RSPH9 (radial spoke head component 9; plus strand). Cytogenetic location: 6p21.1.
Variant type: single nucleotide variant.
Coding change: c.574G>T on transcript NM_152732.5 (MANE Select); coding-DNA position 574, G replaced by T.
Protein change: p.Glu192Ter; replaces glutamic acid 192 with a stop codon.
Molecular consequence: nonsense. On other transcripts: non-coding transcript variant (2).
Genome position (GRCh38, 1-based): chr6:43,656,627, G>T. VCF-style: chr6-43656627-G-T. GRCh37 (hg19) VCF-style: chr6-43624364-G-T.
Other names: c.529G>T, p.Glu177Ter (NM_001193341.2, NM_001424120.1); c.574G>T, p.Glu192Ter (NM_001424119.1, NM_001424121.1); short protein forms E192*, E177*.
Identifiers: ClinVar variation 4987888 (VCV004987888.3).
Genomic context (GRCh38, chr6:43,656,627, plus strand): 5'-CTCTTTCTAGGACTGTCCTTGTCTGAGGCCAAGAAGCTCAGCTCCTACTTCCATTTCAGG[G>T]AGCCTGTTGAGCTAAAGAATAAGACCTTGCTTGAGAAGGCTGACCTGGACCCCTCCCTGG-3'